The following is an entry in ClinVar:

NM_001130987.2(DYSF):c.6139G>A (p.Glu2047Lys)

Gene: DYSF (dysferlin; plus strand). Cytogenetic location: 2p13.2.
Variant type: single nucleotide variant.
Coding change: c.6139G>A on transcript NM_001130987.2 (MANE Select); coding-DNA position 6139, G replaced by A.
Protein change: p.Glu2047Lys; replaces glutamic acid 2047 with lysine.
Molecular consequence: missense variant.
Genome position (GRCh38, 1-based): chr2:71,681,076, G>A. VCF-style: chr2-71681076-G-A. GRCh37 (hg19) VCF-style: chr2-71908206-G-A.
Other names: c.6025G>A, p.Glu2009Lys (NM_001130455.2); c.5980G>A, p.Glu1994Lys (NM_001130976.2); c.6043G>A, p.Glu2015Lys (NM_001130977.2); c.6085G>A, p.Glu2029Lys (NM_001130978.2); c.6115G>A, p.Glu2039Lys (NM_001130979.2); c.6073G>A, p.Glu2025Lys (NM_001130980.2); c.6136G>A, p.Glu2046Lys (NM_001130981.2); c.6118G>A, p.Glu2040Lys (NM_001130982.2); and 5 more; short protein forms E2047K, E2008K, E1994K, E2039K, E2009K, E2016K, E2025K, E2026K.
Identifiers: ClinVar variation 286816 (VCV000286816.15), dbSNP rs886043489, ClinGen allele CA10605579.
Genomic context (GRCh38, chr2:71,681,076, plus strand): 5'-ACCTTGGAGATTGTAGCAGAGAGTGAGCATGAGGAGCGGCCTGCTGGCCAGGGCCGGGAT[G>A]AGCCCAACATGAACCCTAAGCTTGAGGACCCAAGGTCAGTGCCCAGCCCCTGAGCCCCAA-3'
Protein context (NP_001124459.1, residues 2037-2057): EERPAGQGRD[Glu2047Lys]PNMNPKLEDP

ClinVar aggregate classification (germline): Uncertain significance. Review status: criteria provided, multiple submitters, no conflicts (2 of 4 stars). 7 submissions from 7 submitters: Uncertain significance (6). 1 of the submissions does not count toward it. Last evaluated 2025-01-03.

Conditions:
DYSF-related disorder. Also called: DYSF-related condition; DYSF-related disorders.
Distal myopathy with anterior tibial onset. Identifiers: Orphanet 178400, MedGen C1847532, MONDO:0011721, OMIM 606768.
Miyoshi muscular dystrophy 1 (MMD1). Identifiers: Orphanet 45448, MedGen C4551973, MONDO:0024545, OMIM 254130.
Autosomal recessive limb-girdle muscular dystrophy type 2B (LGMDR2). Also called: Limb-Girdle Muscular Dystrophy Type 2B (LGMD2B); Limb-girdle muscular dystrophy, type 2B; MUSCULAR DYSTROPHY, LIMB-GIRDLE, TYPE 3; MUSCULAR DYSTROPHY, LIMB-GIRDLE, AUTOSOMAL RECESSIVE 2. Identifiers: Orphanet 268, MedGen C1850889, MONDO:0009676, OMIM 253601.
Neuromuscular disease caused by qualitative or quantitative defects of dysferlin. Also called: Dysferlinopathy; Qualitative or quantitative defects of dysferlin. Identifiers: Orphanet 207073, MedGen C2931687, MONDO:0016145.

Allele frequency attached by ClinVar (database versions not stated): gnomAD exomes 0.00001; TOPMed below 0.00001; gnomAD 0.00001.
gnomAD v4.1: 14 of 1,614,086 alleles (0.00087%); highest among the groups gnomAD compares: Non-Finnish European, 0.0011%; no homozygotes.

Submissions (7):

PreventionGenetics, part of Exact Sciences
Classification: Uncertain significance for DYSF-related condition. Last evaluated: 2025-01-03. Review status: criteria provided, single submitter. Criteria: ACMG Guidelines, 2015. Collection method: clinical testing. Allele origin: germline.
Comment: The DYSF c.6022G>A variant is predicted to result in the amino acid substitution p.Glu2008Lys. To our knowledge, this variant has not been reported in the literature. This variant is reported in 0.00088% of alleles in individuals of European (Non-Finnish) descent in gnomAD. At this time, the clinical significance of this variant is uncertain due to the absence of conclusive functional and genetic evidence.

Labcorp Genetics (formerly Invitae), Labcorp
Classification: Uncertain significance for Neuromuscular disease caused by qualitative or quantitative defects of dysferlin. Last evaluated: 2022-06-27. Review status: criteria provided, single submitter. Criteria: Invitae Variant Classification Sherloc (09022015). Collection method: clinical testing. Allele origin: germline.
Comment: This sequence change replaces glutamic acid, which is acidic and polar, with lysine, which is basic and polar, at codon 2008 of the DYSF protein (p.Glu2008Lys). This variant is present in population databases (no rsID available, gnomAD 0.003%). This variant has not been reported in the literature in individuals affected with DYSF-related conditions. ClinVar contains an entry for this variant (Variation ID: 286816). Advanced modeling of protein sequence and biophysical properties (such as structural, functional, and spatial information, amino acid conservation, physicochemical variation, residue mobility, and thermodynamic stability) performed at Invitae indicates that this missense variant is expected to disrupt DYSF protein function. In summary, the available evidence is currently insufficient to determine the role of this variant in disease. Therefore, it has been classified as a Variant of Uncertain Significance.

Fulgent Genetics
Classification: Uncertain significance for Autosomal recessive limb-girdle muscular dystrophy type 2B; Miyoshi muscular dystrophy 1; Distal myopathy with anterior tibial onset. Last evaluated: 2022-03-04. Review status: criteria provided, single submitter. Criteria: ACMG Guidelines, 2015. Collection method: clinical testing. Allele origin: unknown.

Revvity Omics, Revvity
Classification: Uncertain significance. Last evaluated: 2021-01-01. Review status: criteria provided, single submitter. Criteria: ACMG Guidelines, 2015. Collection method: clinical testing. Allele origin: germline.

Blueprint Genetics
Classification: Uncertain significance. Last evaluated: 2019-09-26. Review status: criteria provided, single submitter. Criteria: ACMG Guidelines, 2015. Collection method: clinical testing. Allele origin: germline.

Eurofins Ntd Llc (ga)
Classification: Uncertain significance. Last evaluated: 2016-03-17. Review status: criteria provided, single submitter. Criteria: EGL Classification Definitions 2015. Collection method: clinical testing. Allele origin: germline. Observed: 1 variant allele, 1 heterozygote.

Natera, Inc.
Classification: Uncertain significance for Limb-girdle muscular dystrophy type 2B. Last evaluated: 2020-09-09. Review status: no assertion criteria provided. Collection method: clinical testing. Allele origin: germline. Not counted in ClinVar's aggregate classification.